The following is an entry in ClinVar:

NC_000023.11:g.(?_31177922)_(31223131_?)dup

Gene: DMD (dystrophin; minus strand). Cytogenetic location: Xp21.2.
Variant type: Duplication.
Identifiers: ClinVar variation 831770 (VCV000831770.7).

ClinVar aggregate classification (germline): Likely pathogenic (1 of 4 stars; one submission).

Conditions:
Duchenne muscular dystrophy (DMD). Also called: Duchenne Muscular Dystrophy (DMD); MUSCULAR DYSTROPHY, PSEUDOHYPERTROPHIC PROGRESSIVE, DUCHENNE TYPE. Identifiers: Orphanet 98896, MedGen C0013264, MONDO:0010679, OMIM 310200.

Submission:

Labcorp Genetics (formerly Invitae), Labcorp
Classification: Likely pathogenic for Duchenne muscular dystrophy. Last evaluated: 2021-08-31. Review status: criteria provided, single submitter. Criteria: Invitae Variant Classification Sherloc (09022015). Collection method: clinical testing. Allele origin: germline.
Comment: This variant results in a copy number gain of the genomic region encompassing exon(s) 64-71 of the DMD gene. While the exact position of this variant cannot be determined from the data, sub-genic copy number gains are generally in tandem (PMID: 25640679). This variant is predicted to be out-of-frame, and may result in an absent or disrupted protein product. Loss-of-function variants in DMD are known to be pathogenic (PMID: 16770791, 25007885). A similar copy number variant has been observed in individual(s) with dystrophinopathy (PMID: 16770791, 25007885; Invitae). In summary, the currently available evidence indicates that the variant is pathogenic, but additional data are needed to prove that conclusively. Therefore, this variant has been classified as Likely Pathogenic.

Literature cited by the submitters: PubMed 25640679; PubMed 16770791; PubMed 25007885.